The following is an entry in ClinVar:

ClinVar aggregate classification (germline): Conflicting classifications of pathogenicity. Review status: criteria provided, conflicting classifications (1 of 4 stars). 3 submissions from 3 submitters: Uncertain significance (2); Benign (1). Last evaluated 2024-06-04.

Conditions:
Nicolaides-Baraitser syndrome (NCBRS). Also called: Intellectual disability-sparse hair-brachydactyly syndrome; SMARCA2-Related Nicolaides-Baraitser Syndrome. Identifiers: Orphanet 3051, MedGen C1303073, MONDO:0011053, OMIM 601358.

Allele frequency attached by ClinVar (database versions not stated): gnomAD exomes 0.00002; TOPMed 0.00003; ExAC 0.00004; ESP Exome Variant Server 0.00008; 1000 Genomes Project 30x 0.00016; 1000 Genomes Project 0.00020.
gnomAD v4.1: 139 of 1,614,054 alleles (0.0086%); highest among the groups gnomAD compares: East Asian, 0.28%; no homozygotes.

Submissions (3):

Labcorp Genetics (formerly Invitae), Labcorp
Classification: Uncertain significance. Last evaluated: 2024-06-04. Review status: criteria provided, single submitter. Criteria: Invitae Variant Classification Sherloc (09022015). Collection method: clinical testing. Allele origin: germline.
Comment: This sequence change replaces arginine, which is basic and polar, with histidine, which is basic and polar, at codon 1579 of the SMARCA2 protein (p.Arg1579His). This variant is present in population databases (rs138760068, gnomAD 0.02%). This variant has not been reported in the literature in individuals affected with SMARCA2-related conditions. ClinVar contains an entry for this variant (Variation ID: 912460). Experimental studies and prediction algorithms are not available or were not evaluated, and the functional significance of this variant is currently unknown. In summary, the available evidence is currently insufficient to determine the role of this variant in disease. Therefore, it has been classified as a Variant of Uncertain Significance.

Revvity Omics, Revvity
Classification: Uncertain significance. Last evaluated: 2021-08-04. Review status: criteria provided, single submitter. Criteria: ACMG Guidelines, 2015. Collection method: clinical testing. Allele origin: germline.

Illumina Laboratory Services, Illumina
Classification: Benign for Nicolaides-Baraitser syndrome. Last evaluated: 2018-03-20. Review status: criteria provided, single submitter. Criteria: ICSL Variant Classification Criteria 13 December 2019. Collection method: clinical testing. Allele origin: germline.
Comment: This variant was observed in the ICSL laboratory as part of a predisposition screen in an ostensibly healthy population. It had not been previously curated by ICSL or reported in the Human Gene Mutation Database (HGMD: prior to June 1st, 2018), and was therefore a candidate for classification through an automated scoring system. Utilizing variant allele frequency, disease prevalence and penetrance estimates, and inheritance mode, an automated score was calculated to assess if this variant is too frequent to cause the disease. Based on the score and internal cut-off values, a variant classified as benign is not then subjected to further curation. The score for this variant resulted in a classification of benign for this disease.

NM_003070.5(SMARCA2):c.4736G>A (p.Arg1579His)

Gene: SMARCA2 (SWI/SNF related BAF chromatin remodeling complex subunit ATPase 2; plus strand). Cytogenetic location: 9p24.3.
Variant type: single nucleotide variant.
Coding change: c.4736G>A on transcript NM_003070.5 (MANE Select); coding-DNA position 4736, G replaced by A.
Protein change: p.Arg1579His; replaces arginine 1579 with histidine.
Molecular consequence: missense variant.
Genome position (GRCh38, 1-based): chr9:2,191,407, G>A. VCF-style: chr9-2191407-G-A. GRCh37 (hg19) VCF-style: chr9-2191407-G-A.
Other names: c.4736G>A, p.Arg1579His (NM_001289396.2); c.4508G>A, p.Arg1503His (NM_001289397.2); c.710G>A, p.Arg237His (NM_001289398.2); c.794G>A, p.Arg265His (NM_001289399.2); c.800G>A, p.Arg267His (NM_001289400.2); c.4682G>A, p.Arg1561His (NM_139045.4); short protein forms R1503H, R267H, R1561H, R1579H, R265H, R237H.
Identifiers: ClinVar variation 912460 (VCV000912460.9), dbSNP rs138760068, ClinGen allele CA4964297.
Genomic context (GRCh38, chr9:2,191,407, plus strand): 5'-ATCGAGGAAAAGCCAAACCTGTAGTGAGCGATTTTGACAGCGATGAGGAGCAGGATGAAC[G>A]TGTAAGTGTAGCCGACTGGGACTGAAGGCGGAGACGCCCTCTCCCCTGCTTGCTGGCCTC-3'
Protein context (NP_003061.3, residues 1569-1589): DFDSDEEQDE[Arg1579His]EQSEGSGTDD